The following is an entry in ClinVar:

NM_001081.4(CUBN):c.6485G>A (p.Cys2162Tyr)

Gene: CUBN (cubilin; minus strand). Cytogenetic location: 10p13.
Variant type: single nucleotide variant.
Coding change: c.6485G>A on transcript NM_001081.4 (MANE Select); coding-DNA position 6485, G replaced by A.
Protein change: p.Cys2162Tyr; replaces cysteine 2162 with tyrosine.
Molecular consequence: missense variant.
Genome position (GRCh38, 1-based): chr10:16,925,402, C>T on the plus strand (G>A on the coding strand, the complement: CUBN is on the minus strand). VCF-style: chr10-16925402-C-T. GRCh37 (hg19) VCF-style: chr10-16967401-C-T.
Other names: short protein forms C2162Y.
Identifiers: ClinVar variation 299437 (VCV000299437.20), dbSNP rs1276712, ClinGen allele CA5423654.

ClinVar aggregate classification (germline): Benign. Review status: criteria provided, multiple submitters, no conflicts (2 of 4 stars). 7 submissions from 7 submitters: Benign (7). Last evaluated 2026-02-04.

Conditions:
Imerslund-Grasbeck syndrome type 1 (IGS1). Also called: Megaloblastic anemia 1, Finnish type; MEGALOBLASTIC ANEMIA, 1; Imerslund-Gräsbeck syndrome 1. Identifiers: MedGen C4016819, MONDO:0100156, OMIM 261100.
Imerslund-Grasbeck syndrome. Also called: ENTEROCYTE COBALAMIN MALABSORPTION; ENTEROCYTE INTRINSIC FACTOR RECEPTOR, DEFECT OF; Imerslund-Gräsbeck syndrome; PERNICIOUS ANEMIA, JUVENILE, DUE TO SELECTIVE INTESTINAL MALABSORPTION OF VITAMIN B12, WITH PROTEINURIA; Megaloblastic anemia due to inborn errors of metabolism. Identifiers: Orphanet 35858, MedGen C4551825, MONDO:0009853.

Allele frequency attached by ClinVar (database versions not stated): 1000 Genomes Project 30x 0.99297; 1000 Genomes Project 0.99341; gnomAD exomes 0.99423; ExAC 0.99581; TOPMed 0.99598; gnomAD 0.99734 and 0.99748; ESP Exome Variant Server 0.99962.

Submissions (7):

Labcorp Genetics (formerly Invitae), Labcorp
Classification: Benign for Imerslund-Grasbeck syndrome. Last evaluated: 2026-02-04. Review status: criteria provided, single submitter. Criteria: Invitae Variant Classification Sherloc (09022015). Collection method: clinical testing. Allele origin: germline.

Blueprint Genetics
Classification: Benign. Last evaluated: 2024-11-27. Review status: criteria provided, single submitter. Criteria: ACMG Guidelines, 2015. Collection method: clinical testing. Allele origin: germline.

Mayo Clinic Laboratories, Mayo Clinic
Classification: Benign. Last evaluated: 2022-03-31. Review status: criteria provided, single submitter. Criteria: ACMG Guidelines, 2015. Collection method: clinical testing. Allele origin: germline. Observed: 251 variant alleles.

Genome-Nilou Lab
Classification: Benign for Imerslund-Grasbeck syndrome type 1. Last evaluated: 2021-07-30. Review status: criteria provided, single submitter. Criteria: ACMG Guidelines, 2015. Collection method: clinical testing. Allele origin: germline. Affected: no.

GeneDx
Classification: Benign. Last evaluated: 2018-06-13. Review status: criteria provided, single submitter. Criteria: GeneDx Variant Classification (06012015). Collection method: clinical testing. Allele origin: germline. Affected: yes.
Comment: This variant is considered likely benign or benign based on one or more of the following criteria: it is a conservative change, it occurs at a poorly conserved position in the protein, it is predicted to be benign by multiple in silico algorithms, and/or has population frequency not consistent with disease.

Illumina Laboratory Services, Illumina
Classification: Benign for Imerslund-Grasbeck syndrome type 1. Last evaluated: 2018-01-13. Review status: criteria provided, single submitter. Criteria: ICSL Variant Classification Criteria 13 December 2019. Collection method: clinical testing. Allele origin: germline.
Comment: This variant was observed in the ICSL laboratory as part of a predisposition screen in an ostensibly healthy population. It had not been previously curated by ICSL or reported in the Human Gene Mutation Database (HGMD: prior to June 1st, 2018), and was therefore a candidate for classification through an automated scoring system. Utilizing variant allele frequency, disease prevalence and penetrance estimates, and inheritance mode, an automated score was calculated to assess if this variant is too frequent to cause the disease. Based on the score and internal cut-off values, a variant classified as benign is not then subjected to further curation. The score for this variant resulted in a classification of benign for this disease.

Breakthrough Genomics
Classification: Benign. Review status: criteria provided, single submitter. Criteria: ACMG Guidelines, 2015. Collection method: not provided. Allele origin: germline. Inheritance: Autosomal recessive inheritance. Affected: yes.